The following is an entry in ClinVar:

NM_032578.4(MYPN):c.3521T>C (p.Ile1174Thr)

Gene: MYPN (myopalladin; plus strand). Cytogenetic location: 10q21.3.
Variant type: single nucleotide variant.
Coding change: c.3521T>C on transcript NM_032578.4 (MANE Select); coding-DNA position 3521, T replaced by C.
Protein change: p.Ile1174Thr; replaces isoleucine 1174 with threonine.
Molecular consequence: missense variant. On other transcripts: non-coding transcript variant (2).
Genome position (GRCh38, 1-based): chr10:68,201,856, T>C. VCF-style: chr10-68201856-T-C. GRCh37 (hg19) VCF-style: chr10-69961613-T-C.
Other names: c.3521T>C, p.Ile1174Thr (NM_001256267.2); c.2639T>C, p.Ile880Thr (NM_001256268.2); short protein forms I1174T, I880T.
Identifiers: ClinVar variation 1732278 (VCV001732278.3), dbSNP rs1383090936, ClinGen allele CA376859914.
Genomic context (GRCh38, chr10:68,201,856, plus strand): 5'-AAAGAAAAAAAGAATGACCCTTCTCTTGCTCAGCCAAAGAGGTGAAGAAAGCACCTGTGA[T>C]CCTGGAGAAACTACAGAACTGCGGTGTTCCCGAAGGCCACCCCGTGAGACTGGAGTGCCG-3'
Protein context (NP_115967.2, residues 1164-1184): VAKEVKKAPV[Ile1174Thr]LEKLQNCGVP

ClinVar aggregate classification (germline): Uncertain significance (1 of 4 stars; one submission).

Conditions:
Cardiovascular phenotype. Identifiers: MedGen CN230736.

Allele frequency attached by ClinVar (database versions not stated): gnomAD exomes below 0.00001; gnomAD 0.00001; TOPMed 0.00001.
gnomAD v4.1: 2 of 1,613,678 alleles (0.00012%); highest among the groups gnomAD compares: African/African-American, 0.0013%; no homozygotes.

Submission:

Ambry Genetics
Classification: Uncertain significance for Cardiovascular phenotype. Last evaluated: 2023-03-16. Review status: criteria provided, single submitter. Criteria: Ambry Variant Classification Scheme 2023. Collection method: clinical testing. Allele origin: germline.
Comment: The p.I1174T variant (also known as c.3521T>C), located in coding exon 17 of the MYPN gene, results from a T to C substitution at nucleotide position 3521. The isoleucine at codon 1174 is replaced by threonine, an amino acid with similar properties. This amino acid position is not well conserved in available vertebrate species. In addition, this alteration is predicted to be tolerated by in silico analysis. Since supporting evidence is limited at this time, the clinical significance of this alteration remains unclear.